The following is an entry in ClinVar:

NM_000284.4(PDHA1):c.1090_1155dup (p.Lys385_Phe386insLeuGlyTyrHisIleTyrSerSerAspProProPheGluValArgGlyAlaAsnGlnTrpIleLys)

Gene: PDHA1 (pyruvate dehydrogenase E1 subunit alpha 1; plus strand). Cytogenetic location: Xp22.12.
Variant type: Duplication.
Coding change: c.1090_1155dup on transcript NM_000284.4 (MANE Select); coding-DNA positions 1090 to 1155, 66 bases duplicated.
Protein change: p.Lys385_Phe386insLeuGlyTyrHisIleTyrSerSerAspProProPheGluValArgGlyAlaAsnGlnTrpIleLys.
Molecular consequence: inframe insertion.
Genome position (GRCh38, 1-based): chrX:19,359,570-19,359,635, 66 bases duplicated. GRCh37 (hg19): chrX:19,377,688-19,377,753.
Other names: c.1204_1269dup, p.Lys423_Phe424insLeuGlyTyrHisIleTyrSerSerAspProProPheGluValArgGlyAlaAsnGlnTrpIleLys (NM_001173454.2); c.1111_1176dup, p.Lys392_Phe393insLeuGlyTyrHisIleTyrSerSerAspProProPheGluValArgGlyAlaAsnGlnTrpIleLys (NM_001173455.2); c.997_1062dup, p.Lys354_Phe355insLeuGlyTyrHisIleTyrSerSerAspProProPheGluValArgGlyAlaAsnGlnTrpIleLys (NM_001173456.2).
Identifiers: ClinVar variation 4070450 (VCV004070450.1).

ClinVar aggregate classification (germline): Pathogenic (0 of 4 stars; one submission).

Conditions:
Pyruvate dehydrogenase E1-alpha deficiency (PDHAD). Also called: ATAXIA, INTERMITTENT, WITH PYRUVATE DEHYDROGENASE DEFICIENCY; ATAXIA WITH LACTIC ACIDOSIS I; ATAXIA, INTERMITTENT, WITH ABNORMAL PYRUVATE METABOLISM; Ataxia, intermittent, with pyruvate dehydrogenase, or decarboxylase, deficiency. Identifiers: Orphanet 79243, MedGen C1839413, MONDO:0010717, OMIM 312170.

Submission:

PDHA1 Study Group, University Children’s Hospital, Paracelsus Medical University
Classification: Pathogenic for Pyruvate dehydrogenase E1-alpha deficiency. Last evaluated: 2024-10-15. Review status: no assertion criteria provided. Collection method: research. Allele origin: de novo. Affected: yes. Observed: 1 variant allele.
Comment: The NM_000284.3:c.1090_1155dup (p.Leu364_Lys385dup22) change is a deletion-insertion (delins) variant in PDHA1 gene. Among them, 1 case had confirmed de novo occurrence. Last literature search: July 12, 2024. This variant is absent or extremely rare in population-based cohorts in the Genome Aggregation Database (gnomAD). Individuals harboring this variant presented with clinical features compatible with PDHA1-related PDHc deficiency. In summary, this variant meets criteria to be classified as pathogenic (P) for PDHA1-related PDHc deficiency based on the ACMG/AMP criteria applied: PS2, PM1, PM2, PM4 (last assessment October 15, 2024).

Literature cited by the submitters: DOI 10.1093/brain/awaf430.